The following is an entry in ClinVar:

ClinVar aggregate classification (germline): Pathogenic (1 of 4 stars; one submission).

Conditions:
Polycystic kidney disease 2 (PKD2). Also called: Polycystic Kidney Disease 2, Autosomal Dominant; POLYCYSTIC KIDNEY DISEASE, ADULT, TYPE II; POLYCYSTIC KIDNEY DISEASE 2 WITH OR WITHOUT POLYCYSTIC LIVER DISEASE. Identifiers: MedGen C2751306, MONDO:0013131, OMIM 613095.

Submission:

MVZ Medizinische Genetik Mainz
Classification: Pathogenic for Polycystic kidney disease 2. Last evaluated: 2026-06-29. Review status: criteria provided, single submitter. Criteria: UK Practice Guidelines For Variant Classification V4 01 2020. Collection method: clinical testing. Allele origin: germline. Inheritance: Autosomal dominant inheritance. Affected: yes. Observed: 1 variant allele.
Comment: ACMG Criteria: PVS1,PS4_MOD,PM2_SUP,PP4

NM_000297.4(PKD2):c.596-2A>G

Gene: PKD2 (polycystin 2, transient receptor potential cation channel; plus strand). Cytogenetic location: 4q22.1.
Variant type: single nucleotide variant.
Coding change: c.596-2A>G on transcript NM_000297.4 (MANE Select); the canonical splice acceptor site of the intron before coding-DNA position 596, A replaced by G.
Molecular consequence: splice acceptor variant.
Genome position (GRCh38, 1-based): chr4:88,019,456, A>G. VCF-style: chr4-88019456-A-G. GRCh37 (hg19) VCF-style: chr4-88940608-A-G.
Other names: c.596-2A>G (NM_001440544.1).
Identifiers: ClinVar variation 4879854 (VCV004879854.1).